The following is an entry in ClinVar:

ClinVar aggregate classification (germline): Uncertain significance (1 of 4 stars; one submission).

Submission:

Labcorp Genetics (formerly Invitae), Labcorp
Classification: Uncertain significance. Last evaluated: 2023-11-11. Review status: criteria provided, single submitter. Criteria: Invitae Variant Classification Sherloc (09022015). Collection method: clinical testing. Allele origin: germline.
Comment: This sequence change replaces leucine, which is neutral and non-polar, with valine, which is neutral and non-polar, at codon 227 of the KCNH1 protein (p.Leu227Val). This variant is not present in population databases (gnomAD no frequency). This variant has not been reported in the literature in individuals affected with KCNH1-related conditions. Advanced modeling of protein sequence and biophysical properties (such as structural, functional, and spatial information, amino acid conservation, physicochemical variation, residue mobility, and thermodynamic stability) performed at Invitae indicates that this missense variant is expected to disrupt KCNH1 protein function with a positive predictive value of 95%. In summary, the available evidence is currently insufficient to determine the role of this variant in disease. Therefore, it has been classified as a Variant of Uncertain Significance.

NM_172362.3(KCNH1):c.679T>G (p.Leu227Val)

Gene: KCNH1 (potassium voltage-gated channel subfamily H member 1; minus strand). Cytogenetic location: 1q32.2.
Variant type: single nucleotide variant.
Coding change: c.679T>G on transcript NM_172362.3 (MANE Select); coding-DNA position 679, T replaced by G.
Protein change: p.Leu227Val; replaces leucine 227 with valine.
Molecular consequence: missense variant.
Genome position (GRCh38, 1-based): chr1:211,019,136, A>C on the plus strand (T>G on the coding strand, the complement: KCNH1 is on the minus strand). VCF-style: chr1-211019136-A-C. GRCh37 (hg19) VCF-style: chr1-211192478-A-C.
Other names: c.679T>G, p.Leu227Val (NM_002238.4); short protein forms L227V.
Identifiers: ClinVar variation 2695166 (VCV002695166.3), dbSNP rs2526596816, ClinGen allele CA344876305.